The following is an entry in ClinVar:

NM_019098.5(CNGB3):c.206T>C (p.Ile69Thr)

Gene: CNGB3 (cyclic nucleotide gated channel subunit beta 3; minus strand). Cytogenetic location: 8q21.3.
Variant type: single nucleotide variant.
Coding change: c.206T>C on transcript NM_019098.5 (MANE Select); coding-DNA position 206, T replaced by C.
Protein change: p.Ile69Thr; replaces isoleucine 69 with threonine.
Molecular consequence: missense variant.
Genome position (GRCh38, 1-based): chr8:86,739,660, A>G on the plus strand (T>C on the coding strand, the complement: CNGB3 is on the minus strand). VCF-style: chr8-86739660-A-G. GRCh37 (hg19) VCF-style: chr8-87751888-A-G.
Other names: short protein forms I69T.
Identifiers: ClinVar variation 971940 (VCV000971940.4), dbSNP rs777636370, ClinGen allele CA4800501.
Genomic context (GRCh38, chr8:86,739,660, plus strand): 5'-CATATGTATTTCACTTTTTAGTTTTTTTTTTTTTTTTTTCAGACTGCATTCTGACCTTGT[A>G]TGTTGGTGTGTGGCTCTTCAGACGTGACTGGAGTTGACTTGGTTTTGAGAGATTTCTCTT-3'
Protein context (NP_061971.3, residues 59-79): PVTSEEPHTN[Ile69Thr]QDKLSKKNSS

ClinVar aggregate classification (germline): Uncertain significance. Review status: criteria provided, single submitter (1 of 4 stars). 2 submissions from 2 submitters: Uncertain significance (1). 1 of the submissions does not count toward it. Last evaluated 2022-03-09.

Conditions:
Achromatopsia. Also called: Rod monochromatism. Identifiers: Orphanet 49382, MedGen C0152200, MONDO:0018852, HP:0011516.

Allele frequency attached by ClinVar (database versions not stated): gnomAD exomes 0.00001 and 0.00004; ExAC 0.00002; TOPMed 0.00003; gnomAD 0.00005.
gnomAD v4.1: 23 of 1,518,698 alleles (0.0015%); highest among the groups gnomAD compares: Admixed American, 0.019%; no homozygotes.

Submissions (2):

Labcorp Genetics (formerly Invitae), Labcorp
Classification: Uncertain significance. Last evaluated: 2022-03-09. Review status: criteria provided, single submitter. Criteria: Invitae Variant Classification Sherloc (09022015). Collection method: clinical testing. Allele origin: germline.
Comment: This sequence change replaces isoleucine, which is neutral and non-polar, with threonine, which is neutral and polar, at codon 69 of the CNGB3 protein (p.Ile69Thr). This variant is present in population databases (rs777636370, gnomAD 0.05%). This variant has not been reported in the literature in individuals affected with CNGB3-related conditions. ClinVar contains an entry for this variant (Variation ID: 971940). Advanced modeling of protein sequence and biophysical properties (such as structural, functional, and spatial information, amino acid conservation, physicochemical variation, residue mobility, and thermodynamic stability) performed at Invitae indicates that this missense variant is not expected to disrupt CNGB3 protein function. In summary, the available evidence is currently insufficient to determine the role of this variant in disease. Therefore, it has been classified as a Variant of Uncertain Significance.

Natera, Inc.
Classification: Uncertain significance for Achromatopsia. Last evaluated: 2020-05-04. Review status: no assertion criteria provided. Collection method: clinical testing. Allele origin: germline. Not counted in ClinVar's aggregate classification.